The following is an entry in ClinVar:

ClinVar aggregate classification (germline): Uncertain significance. Review status: criteria provided, multiple submitters, no conflicts (2 of 4 stars). 2 submissions from 2 submitters: Uncertain significance (2). Last evaluated 2023-02-15.

Conditions:
Inborn genetic diseases. Identifiers: MedGen C0950123, MeSH D030342.

Submissions (2):

Ambry Genetics
Classification: Uncertain significance for Inborn genetic diseases. Last evaluated: 2023-02-15. Review status: criteria provided, single submitter. Criteria: Ambry Variant Classification Scheme 2023. Collection method: clinical testing. Allele origin: germline.

GeneDx
Classification: Uncertain significance. Last evaluated: 2019-04-09. Review status: criteria provided, single submitter. Criteria: GeneDx Variant Classification Process June 2021. Collection method: clinical testing. Allele origin: germline. Affected: yes.
Comment: Has not been previously published as pathogenic or benign to our knowledge; Not observed in large population cohorts (Lek et al., 2016); In silico analysis, which includes protein predictors and evolutionary conservation, supports that this variant does not alter protein structure/function

NM_006612.6(KIF1C):c.3058C>G (p.Pro1020Ala)

Gene: KIF1C (kinesin family member 1C; plus strand). Cytogenetic location: 17p13.2.
Variant type: single nucleotide variant.
Coding change: c.3058C>G on transcript NM_006612.6 (MANE Select); coding-DNA position 3058, C replaced by G.
Protein change: p.Pro1020Ala; replaces proline 1020 with alanine.
Molecular consequence: missense variant.
Genome position (GRCh38, 1-based): chr17:5,023,897, C>G. VCF-style: chr17-5023897-C-G. GRCh37 (hg19) VCF-style: chr17-4927192-C-G.
Other names: short protein forms P1020A.
Identifiers: ClinVar variation 1308618 (VCV001308618.4), dbSNP rs2143394321, ClinGen allele CA397319413.
Genomic context (GRCh38, chr17:5,023,897, plus strand): 5'-CCAACTCCGCTCCAACCCCCTGAGGAGGTCACTCCCCATCCAGCCACCCCTGCCCGCCGG[C>G]CTCCGAGTCCCCGAAGGTCCCACCATCCCCGCAGGAACTCCCTGGATGGAGGGGGCCGAT-3'
Protein context (NP_006603.2, residues 1010-1030): TPHPATPARR[Pro1020Ala]PSPRRSHHPR